The following is an entry in ClinVar:

NM_001384910.1(GUCA1A):c.49G>A (p.Glu17Lys)

Genes: GUCA1A (guanylate cyclase activator 1A; plus strand), GUCA1ANB-GUCA1A (GUCA1ANB-GUCA1A readthrough; plus strand). Cytogenetic location: 6p21.1.
Variant type: single nucleotide variant.
Coding change: c.49G>A on transcript NM_001384910.1 (MANE Select); coding-DNA position 49, G replaced by A.
Protein change: p.Glu17Lys; replaces glutamic acid 17 with lysine.
Molecular consequence: missense variant.
Genome position (GRCh38, 1-based): chr6:42,173,662, G>A. VCF-style: chr6-42173662-G-A. GRCh37 (hg19) VCF-style: chr6-42141400-G-A.
Other names: c.49G>A, p.Glu17Lys (NM_000409.5, NM_001319061.2, NM_001319062.2); short protein forms E17K.
Identifiers: ClinVar variation 3010037 (VCV003010037.3), dbSNP rs778379606, ClinGen allele CA3805248.

ClinVar aggregate classification (germline): Uncertain significance (1 of 4 stars; one submission).

gnomAD v4.1: 11 of 1,614,028 alleles (0.00068%); highest among the groups gnomAD compares: Admixed American, 0.01%; no homozygotes.

Submission:

Labcorp Genetics (formerly Invitae), Labcorp
Classification: Uncertain significance. Last evaluated: 2023-11-18. Review status: criteria provided, single submitter. Criteria: Invitae Variant Classification Sherloc (09022015). Collection method: clinical testing. Allele origin: germline.
Comment: This sequence change replaces glutamic acid, which is acidic and polar, with lysine, which is basic and polar, at codon 17 of the GUCA1A protein (p.Glu17Lys). This variant is present in population databases (rs778379606, gnomAD 0.01%). This variant has not been reported in the literature in individuals affected with GUCA1A-related conditions. An algorithm developed to predict the effect of missense changes on protein structure and function (PolyPhen-2) suggests that this variant is likely to be tolerated. In summary, the available evidence is currently insufficient to determine the role of this variant in disease. Therefore, it has been classified as a Variant of Uncertain Significance.